The following is an entry in ClinVar:

ClinVar aggregate classification (germline): Likely benign. Review status: criteria provided, multiple submitters, no conflicts (2 of 4 stars). 2 submissions from 2 submitters: Likely benign (2). Last evaluated 2026-09-21.

Conditions:
ADGRV1-related disorder. Also called: ADGRV1-related disorders; ADGRV1-related condition.

Allele frequency attached by ClinVar (database versions not stated): gnomAD 0.00001; TOPMed 0.00003; gnomAD exomes 0.00004 and 0.00005; ExAC 0.00011.
gnomAD v4.1: 78 of 1,532,416 alleles (0.0051%); highest among the groups gnomAD compares: East Asian, 0.026%; no homozygotes.

Submissions (2):

PreventionGenetics, part of Exact Sciences
Classification: Likely benign for ADGRV1-related condition. Last evaluated: 2026-09-21. Review status: criteria provided, single submitter. Criteria: ACMG Guidelines, 2015. Collection method: clinical testing. Allele origin: germline.
Comment: This variant is classified as likely benign based on ACMG/AMP sequence variant interpretation guidelines (Richards et al. 2015 PMID: 25741868, with internal and published modifications).

Labcorp Genetics (formerly Invitae), Labcorp
Classification: Likely benign. Last evaluated: 2023-11-14. Review status: criteria provided, single submitter. Criteria: Invitae Variant Classification Sherloc (09022015). Collection method: clinical testing. Allele origin: germline.

NM_032119.4(ADGRV1):c.357+9G>A

Gene: ADGRV1 (adhesion G protein-coupled receptor V1; plus strand). Cytogenetic location: 5q14.3.
Variant type: single nucleotide variant.
Coding change: c.357+9G>A on transcript NM_032119.4 (MANE Select); 9 bases into the intron after coding-DNA position 357, G replaced by A.
Molecular consequence: intron variant.
Genome position (GRCh38, 1-based): chr5:90,617,962, G>A. VCF-style: chr5-90617962-G-A. GRCh37 (hg19) VCF-style: chr5-89913779-G-A.
Other names: c.357+9G>A (NM_032119.3).
Identifiers: ClinVar variation 1674197 (VCV001674197.9), dbSNP rs774079292, ClinGen allele CA3338440.
Genomic context (GRCh38, chr5:90,617,962, plus strand): 5'-TGATGACTTACCAGAGCCTGACGAAACTTTTATTTTTCACTTAACATTACAGGTAAGTCC[G>A]TGTTTCCTCCTTATAAAAATTATAAGGAGGACTTATAAAACTTATAAAAATCTTTTAGTG-3'